The following is an entry in ClinVar:

NM_013266.4(CTNNA3):c.1581C>A (p.Asp527Glu)

Gene: CTNNA3 (catenin alpha 3; minus strand). Cytogenetic location: 10q21.3.
Variant type: single nucleotide variant.
Coding change: c.1581C>A on transcript NM_013266.4 (MANE Select); coding-DNA position 1581, C replaced by A.
Protein change: p.Asp527Glu; replaces aspartic acid 527 with glutamic acid.
Molecular consequence: missense variant.
Genome position (GRCh38, 1-based): chr10:66,379,303, G>T on the plus strand (C>A on the coding strand, the complement: CTNNA3 is on the minus strand). VCF-style: chr10-66379303-G-T. GRCh37 (hg19) VCF-style: chr10-68139061-G-T.
Other names: c.1581C>A, p.Asp527Glu (NM_001127384.3); short protein forms D527E.
Identifiers: ClinVar variation 2168494 (VCV002168494.5), dbSNP rs2092818772, ClinGen allele CA377090499.

ClinVar aggregate classification (germline): Conflicting classifications of pathogenicity. Review status: criteria provided, conflicting classifications (1 of 4 stars). 2 submissions from 2 submitters: Uncertain significance (1); Likely benign (1). Last evaluated 2022-12-28.

Conditions:
Arrhythmogenic right ventricular dysplasia 13. Also called: ARRHYTHMOGENIC RIGHT VENTRICULAR CARDIOMYOPATHY 13; Arrhythmogenic right ventricular dysplasia, familial, 13. Identifiers: MedGen C3810138, MONDO:0000908, OMIM 615616.

Allele frequency attached by ClinVar (database versions not stated): gnomAD exomes 0.00001.
gnomAD v4.1: 12 of 1,614,044 alleles (0.00074%); highest among the groups gnomAD compares: Non-Finnish European, 0.001%; no homozygotes.

Submissions (2):

Blueprint Genetics
Classification: Likely benign. Last evaluated: 2022-12-28. Review status: criteria provided, single submitter. Criteria: ACMG Guidelines, 2015. Collection method: clinical testing. Allele origin: germline.

Labcorp Genetics (formerly Invitae), Labcorp
Classification: Uncertain significance for Arrhythmogenic right ventricular dysplasia 13. Last evaluated: 2021-12-24. Review status: criteria provided, single submitter. Criteria: Invitae Variant Classification Sherloc (09022015). Collection method: clinical testing. Allele origin: germline.
Comment: This sequence change replaces aspartic acid, which is acidic and polar, with glutamic acid, which is acidic and polar, at codon 527 of the CTNNA3 protein (p.Asp527Glu). This variant is not present in population databases (gnomAD no frequency). This variant has not been reported in the literature in individuals affected with CTNNA3-related conditions. Algorithms developed to predict the effect of missense changes on protein structure and function are either unavailable or do not agree on the potential impact of this missense change (SIFT: "Tolerated"; PolyPhen-2: "Not Available"; Align-GVGD: "Class C0"). In summary, the available evidence is currently insufficient to determine the role of this variant in disease. Therefore, it has been classified as a Variant of Uncertain Significance.